The following is an entry in ClinVar:

ClinVar aggregate classification (germline): Uncertain significance (1 of 4 stars; one submission).

Allele frequency attached by ClinVar (database versions not stated): ExAC 0.00001; gnomAD exomes 0.00001.
gnomAD v4.1: 14 of 1,600,346 alleles (0.00087%); highest among the groups gnomAD compares: Middle Eastern, 0.034%; no homozygotes.

Submission:

Labcorp Genetics (formerly Invitae), Labcorp
Classification: Uncertain significance. Last evaluated: 2025-07-07. Review status: criteria provided, single submitter. Criteria: Invitae Variant Classification Sherloc (09022015). Collection method: clinical testing. Allele origin: germline.
Comment: This sequence change replaces proline, which is neutral and non-polar, with leucine, which is neutral and non-polar, at codon 328 of the TBX6 protein (p.Pro328Leu). The frequency data for this variant in the population databases is considered unreliable, as metrics indicate poor data quality at this position in the gnomAD database. This variant has not been reported in the literature in individuals affected with TBX6-related conditions. ClinVar contains an entry for this variant (Variation ID: 1503155). Invitae Evidence Modeling of protein sequence and biophysical properties (such as structural, functional, and spatial information, amino acid conservation, physicochemical variation, residue mobility, and thermodynamic stability) indicates that this missense variant is not expected to disrupt TBX6 protein function with a negative predictive value of 80%. In summary, the available evidence is currently insufficient to determine the role of this variant in disease. Therefore, it has been classified as a Variant of Uncertain Significance.

NM_004608.4(TBX6):c.983C>T (p.Pro328Leu)

Gene: TBX6 (T-box transcription factor 6; minus strand). Cytogenetic location: 16p11.2.
Variant type: single nucleotide variant.
Coding change: c.983C>T on transcript NM_004608.4 (MANE Select); coding-DNA position 983, C replaced by T.
Protein change: p.Pro328Leu; replaces proline 328 with leucine.
Molecular consequence: missense variant.
Genome position (GRCh38, 1-based): chr16:30,086,626, G>A on the plus strand (C>T on the coding strand, the complement: TBX6 is on the minus strand). VCF-style: chr16-30086626-G-A. GRCh37 (hg19) VCF-style: chr16-30097947-G-A.
Other names: short protein forms P328L.
Identifiers: ClinVar variation 1503155 (VCV001503155.6), dbSNP rs199768549, ClinGen allele CA8001711.